The following is an entry in ClinVar:

ClinVar aggregate classification (germline): Uncertain significance. Review status: criteria provided, single submitter (1 of 4 stars). 2 submissions from 2 submitters: Uncertain significance (1). 1 of the submissions does not count toward it. Last evaluated 2021-11-30.

Conditions:
Autosomal dominant Parkinson disease 8. Also called: LRRK2-Related Parkinson Disease; Parkinson disease 8; Parkinson disease 8, susceptibility to. Identifiers: Orphanet 411602, MedGen C1846862, MONDO:0011764, OMIM 607060.

Allele frequency attached by ClinVar (database versions not stated): gnomAD exomes below 0.00001.
gnomAD v4.1: 3 of 1,614,078 alleles (0.00019%); highest among the groups gnomAD compares: Non-Finnish European, 0.00025%; no homozygotes.

Submissions (2):

Labcorp Genetics (formerly Invitae), Labcorp
Classification: Uncertain significance for Autosomal dominant Parkinson disease 8. Last evaluated: 2021-11-30. Review status: criteria provided, single submitter. Criteria: Invitae Variant Classification Sherloc (09022015). Collection method: clinical testing. Allele origin: germline.
Comment: This sequence change replaces glutamic acid, which is acidic and polar, with lysine, which is basic and polar, at codon 10 of the LRRK2 protein (p.Glu10Lys). This variant is not present in population databases (gnomAD no frequency). This missense change has been observed in individual(s) with Parkinson disease (PMID: 17804834). ClinVar contains an entry for this variant (Variation ID: 39157). Algorithms developed to predict the effect of missense changes on protein structure and function (SIFT, PolyPhen-2, Align-GVGD) all suggest that this variant is likely to be tolerated. Studies have shown that this missense change does not significantly alter or has an unclear effect on LRRK2 gene expression (PMID: 20642453). In summary, the available evidence is currently insufficient to determine the role of this variant in disease. Therefore, it has been classified as a Variant of Uncertain Significance.

GeneReviews
No classification provided. Condition: Autosomal dominant Parkinson disease 8. Review status: no classification provided. Collection method: literature only. Allele origin: unknown. Not counted in ClinVar's aggregate classification.

Literature cited by the submitters: PubMed 17804834 (cited by Labcorp Genetics (formerly Invitae), Labcorp); PubMed 20642453 (cited by Labcorp Genetics (formerly Invitae), Labcorp); PubMed 20301387 (cited by GeneReviews); NCBI Bookshelf NBK1208 (cited by GeneReviews).

NM_198578.4(LRRK2):c.28G>A (p.Glu10Lys)

Gene: LRRK2 (leucine rich repeat kinase 2; plus strand). Cytogenetic location: 12q12.
Variant type: single nucleotide variant.
Coding change: c.28G>A on transcript NM_198578.4 (MANE Select); coding-DNA position 28, G replaced by A.
Protein change: p.Glu10Lys; replaces glutamic acid 10 with lysine.
Molecular consequence: missense variant.
Genome position (GRCh38, 1-based): chr12:40,225,159, G>A. VCF-style: chr12-40225159-G-A. GRCh37 (hg19) VCF-style: chr12-40618961-G-A.
Other names: short protein forms E10K.
Identifiers: ClinVar variation 39157 (VCV000039157.8), dbSNP rs281865040, ClinGen allele CA343525.
Genomic context (GRCh38, chr12:40,225,159, plus strand): 5'-TGGGAGGGCGGCGGGTTGGAAGCAGGTGCCACCATGGCTAGTGGCAGCTGTCAGGGGTGC[G>A]AAGAGGACGAGGAAACTCTGAAGAAGTTGATAGTCAGGCTGAACAATGTCCAGGAAGGAA-3'
Protein context (NP_940980.4, residues 1-20): MASGSCQGC[Glu10Lys]EDEETLKKLI